The following is an entry in ClinVar:

NM_000398.7(CYB5R3):c.254T>A (p.Ile85Asn)

Gene: CYB5R3 (cytochrome b5 reductase 3; minus strand). Cytogenetic location: 22q13.2.
Variant type: single nucleotide variant.
Coding change: c.254T>A on transcript NM_000398.7 (MANE Select); coding-DNA position 254, T replaced by A.
Protein change: p.Ile85Asn; replaces isoleucine 85 with asparagine.
Molecular consequence: missense variant.
Genome position (GRCh38, 1-based): chr22:42,630,961, A>T on the plus strand (T>A on the coding strand, the complement: CYB5R3 is on the minus strand). VCF-style: chr22-42630961-A-T. GRCh37 (hg19) VCF-style: chr22-43026967-A-T.
Other names: c.185T>A, p.Ile62Asn (NM_001129819.2, NM_001171661.1, NM_007326.4); c.353T>A, p.Ile118Asn (NM_001171660.2); short protein forms I62N, I118N, I85N.
Identifiers: ClinVar variation 3721023 (VCV003721023.2).

ClinVar aggregate classification (germline): Uncertain significance (1 of 4 stars; one submission).

gnomAD v4.1: 2 of 1,613,986 alleles (0.00012%); highest among the groups gnomAD compares: South Asian, 0.0011%; no homozygotes.

Submission:

Labcorp Genetics (formerly Invitae), Labcorp
Classification: Uncertain significance. Last evaluated: 2025-01-20. Review status: criteria provided, single submitter. Criteria: Invitae Variant Classification Sherloc (09022015). Collection method: clinical testing. Allele origin: germline.
Comment: This sequence change replaces isoleucine, which is neutral and non-polar, with asparagine, which is neutral and polar, at codon 85 of the CYB5R3 protein (p.Ile85Asn). This variant is present in population databases (no rsID available, gnomAD 0.003%). This variant has not been reported in the literature in individuals affected with CYB5R3-related conditions. Invitae Evidence Modeling of protein sequence and biophysical properties (such as structural, functional, and spatial information, amino acid conservation, physicochemical variation, residue mobility, and thermodynamic stability) has been performed for this missense variant. However, the output from this modeling did not meet the statistical confidence thresholds required to predict the impact of this variant on CYB5R3 protein function. In summary, the available evidence is currently insufficient to determine the role of this variant in disease. Therefore, it has been classified as a Variant of Uncertain Significance.